The following is an entry in ClinVar:

ClinVar aggregate classification (germline): Pathogenic. Review status: criteria provided, multiple submitters, no conflicts (2 of 4 stars). 2 submissions from 2 submitters: Pathogenic (2). Last evaluated 2025-12-30.

Conditions:
Juvenile polyposis syndrome (JPS). Identifiers: Orphanet 2929, MedGen C0345893, MONDO:0017380, OMIM 174900.
Hereditary cancer-predisposing syndrome. Also called: Neoplastic Syndromes, Hereditary; Tumor predisposition; Hereditary Cancer Syndrome; Hereditary neoplastic syndrome. Identifiers: Orphanet 140162, MedGen C0027672, MeSH D009386, MONDO:0015356.

Submissions (2):

Ambry Genetics
Classification: Pathogenic for Hereditary cancer-predisposing syndrome. Last evaluated: 2025-12-30. Review status: criteria provided, single submitter. Criteria: Ambry Variant Classification Scheme 2023. Collection method: clinical testing. Allele origin: germline.
Comment: The c.181_182dupTG pathogenic mutation, located in coding exon 2 of the BMPR1A gene, results from a duplication of TG at nucleotide position 181, causing a translational frameshift with a predicted alternate stop codon (p.Y62Afs*17). This variant is considered to be rare based on population cohorts in the Genome Aggregation Database (gnomAD). This alteration is expected to result in loss of function by premature protein truncation or nonsense-mediated mRNA decay. As such, this alteration is interpreted as a disease-causing mutation.

Myriad Genetics, Inc.
Classification: Pathogenic for Juvenile polyposis syndrome. Last evaluated: 2023-05-25. Review status: criteria provided, single submitter. Criteria: Myriad Autosomal Dominant, Autosomal Recessive and X-Linked Classification Criteria (2023). Collection method: clinical testing. Allele origin: unknown.
Comment: This variant is considered pathogenic. This variant creates a frameshift predicted to result in premature protein truncation.

NM_004329.3(BMPR1A):c.181_182dup (p.Tyr62fs)

Gene: BMPR1A (bone morphogenetic protein receptor type 1A; plus strand). Cytogenetic location: 10q23.2.
Variant type: Duplication.
Coding change: c.181_182dup on transcript NM_004329.3 (MANE Select); coding-DNA positions 181 to 182, 2 bases duplicated (TG; older notation c.181_182dupTG).
Protein change: p.Tyr62fs; shifts the reading frame from tyrosine 62.
Molecular consequence: frameshift variant. On other transcripts: non-coding transcript variant (3).
Genome position (GRCh38, 1-based): chr10:86,890,175-86,890,176, TG duplicated; duplicating any 2 consecutive bases within chr10:86,890,174-86,890,176 gives the same sequence; the c. name uses the placement nearest the transcript's 3' end. VCF-style (leftmost placement, unchanged base first): chr10-86890173-A-AGT. GRCh37 (hg19) VCF-style: chr10-88649930-A-AGT.
Other names: c.181_182dup, p.Tyr62fs (NM_001406560.1, NM_001406561.1, NM_001406562.1 and 23 more transcripts); c.97_98dup, p.Tyr34fs (NM_001406584.1, NM_001406585.1, NM_001406586.1 and 2 more transcripts); c.181_182dupTG (NM_004329.2); short protein forms Y34fs, Y62fs.
Identifiers: ClinVar variation 2583667 (VCV002583667.3), dbSNP rs2539432372, ClinGen allele CA2582342703.